The following is an entry in ClinVar:

ClinVar aggregate classification (germline): Likely pathogenic (1 of 4 stars; one submission).

Conditions:
Primary ciliary dyskinesia 19. Also called: CILIARY DYSKINESIA, PRIMARY, 19, WITH OR WITHOUT SITUS INVERSUS. Identifiers: Orphanet 244, MedGen C3543826, MONDO:0013979, OMIM 614935.

gnomAD v4.1: 5 of 1,609,114 alleles (0.00031%); highest among the groups gnomAD compares: South Asian, 0.0055%; no homozygotes.

Submission:

First Genomix Gene Laboratory, Genetic Diagnostics Department
Classification: Likely pathogenic for Primary ciliary dyskinesia 19. Last evaluated: 2025-07-10. Review status: criteria provided, single submitter. Criteria: ACMG Guidelines, 2015. Collection method: clinical testing. Allele origin: germline. Inheritance: Autosomal recessive inheritance. Affected: no. Observed: 1 variant allele.

NM_012472.6(DNAAF11):c.1141-2A>G

Gene: DNAAF11 (dynein axonemal assembly factor 11; minus strand). Cytogenetic location: 8q24.22.
Variant type: single nucleotide variant.
Coding change: c.1141-2A>G on transcript NM_012472.6 (MANE Select); the canonical splice acceptor site of the intron before coding-DNA position 1141, A replaced by G.
Molecular consequence: splice acceptor variant.
Genome position (GRCh38, 1-based): chr8:132,583,781, T>C on the plus strand (A>G on the coding strand, the complement: DNAAF11 is on the minus strand). VCF-style: chr8-132583781-T-C. GRCh37 (hg19) VCF-style: chr8-133596028-T-C.
Other names: c.895-2A>G (NM_001321962.2); c.1081-2A>G (NM_001321961.2); c.721-2A>G (NM_001321966.2); c.781-2A>G (NM_001321963.2, NM_001321964.2, NM_001321965.2).
Identifiers: ClinVar variation 4849345 (VCV004849345.1), dbSNP rs1815589242.